The following is an entry in ClinVar:

NM_003105.6(SORL1):c.2059G>A (p.Gly687Ser)

Gene: SORL1 (sortilin related receptor 1; plus strand). Cytogenetic location: 11q24.1.
Variant type: single nucleotide variant.
Coding change: c.2059G>A on transcript NM_003105.6 (MANE Select); coding-DNA position 2059, G replaced by A.
Protein change: p.Gly687Ser; replaces glycine 687 with serine.
Molecular consequence: missense variant.
Genome position (GRCh38, 1-based): chr11:121,549,967, G>A. VCF-style: chr11-121549967-G-A. GRCh37 (hg19) VCF-style: chr11-121420676-G-A.
Other names: short protein forms G687S.
Identifiers: ClinVar variation 1421290 (VCV001421290.8), dbSNP rs369005793, ClinGen allele CA6328830.

ClinVar aggregate classification (germline): Uncertain significance (1 of 4 stars; one submission).

Allele frequency attached by ClinVar (database versions not stated): gnomAD 0.00001; TOPMed 0.00002; gnomAD exomes 0.00003 and 0.00004; ExAC 0.00005; ESP Exome Variant Server 0.00008.
gnomAD v4.1: 49 of 1,613,120 alleles (0.003%); highest among the groups gnomAD compares: East Asian, 0.091%; no homozygotes.

Submission:

Labcorp Genetics (formerly Invitae), Labcorp
Classification: Uncertain significance. Last evaluated: 2021-07-14. Review status: criteria provided, single submitter. Criteria: Invitae Variant Classification Sherloc (09022015). Collection method: clinical testing. Allele origin: germline.
Comment: This variant has not been reported in the literature in individuals affected with SORL1-related conditions. This variant is present in population databases (rs369005793, ExAC 0.03%). This sequence change replaces glycine with serine at codon 687 of the SORL1 protein (p.Gly687Ser). The glycine residue is highly conserved and there is a small physicochemical difference between glycine and serine. Algorithms developed to predict the effect of missense changes on protein structure and function are either unavailable or do not agree on the potential impact of this missense change (SIFT: "Tolerated"; PolyPhen-2: "Probably Damaging"; Align-GVGD: "Class C0"). In summary, the available evidence is currently insufficient to determine the role of this variant in disease. Therefore, it has been classified as a Variant of Uncertain Significance.